The following is an entry in ClinVar:

NM_012330.4(KAT6B):c.5699T>C (p.Met1900Thr)

Gene: KAT6B (lysine acetyltransferase 6B; plus strand). Cytogenetic location: 10q22.2.
Variant type: single nucleotide variant.
Coding change: c.5699T>C on transcript NM_012330.4 (MANE Select); coding-DNA position 5699, T replaced by C.
Protein change: p.Met1900Thr; replaces methionine 1900 with threonine.
Molecular consequence: missense variant.
Genome position (GRCh38, 1-based): chr10:75,030,523, T>C. VCF-style: chr10-75030523-T-C. GRCh37 (hg19) VCF-style: chr10-76790281-T-C.
Other names: c.4823T>C, p.Met1608Thr (NM_001256469.2, NM_001370139.1, NM_001370140.1 and 2 more transcripts); c.4661T>C, p.Met1554Thr (NM_001370132.1); c.4010T>C, p.Met1337Thr (NM_001370133.1); c.3614T>C, p.Met1205Thr (NM_001370134.1); c.3356T>C, p.Met1119Thr (NM_001370135.1); c.5699T>C, p.Met1900Thr (NM_001370136.1, NM_001370137.1); c.5150T>C, p.Met1717Thr (NM_001370138.1, NM_001256468.2); c.4634T>C, p.Met1545Thr (NM_001370143.1, NM_001370144.1); short protein forms M1554T, M1900T, M1608T, M1717T, M1119T, M1545T, M1205T, M1337T.
Identifiers: ClinVar variation 4749082 (VCV004749082.1).

ClinVar aggregate classification (germline): Uncertain significance (1 of 4 stars; one submission).

Conditions:
Genitopatellar syndrome (GTPTS). Also called: Genitopatellar syndrome (GPS); ABSENT PATELLAE, SCROTAL HYPOPLASIA, RENAL ANOMALIES, FACIAL DYSMORPHISM, AND MENTAL RETARDATION. Identifiers: Orphanet 85201, MedGen C1853566, MONDO:0011640, OMIM 606170.

Submission:

Labcorp Genetics (formerly Invitae), Labcorp
Classification: Uncertain significance for Genitopatellar syndrome. Last evaluated: 2025-06-24. Review status: criteria provided, single submitter. Criteria: Invitae Variant Classification Sherloc (09022015). Collection method: clinical testing. Allele origin: germline.
Comment: This sequence change replaces methionine, which is neutral and non-polar, with threonine, which is neutral and polar, at codon 1900 of the KAT6B protein (p.Met1900Thr). This variant is present in population databases (rs369149179, gnomAD 0.008%). This variant has not been reported in the literature in individuals affected with KAT6B-related conditions. An algorithm developed to predict the effect of missense changes on protein structure and function (PolyPhen-2) suggests that this variant is likely to be disruptive. In summary, the available evidence is currently insufficient to determine the role of this variant in disease. Therefore, it has been classified as a Variant of Uncertain Significance.